The following is an entry in ClinVar:

ClinVar aggregate classification (germline): Uncertain significance (1 of 4 stars; one submission).

Conditions:
Ichthyosis linearis circumflexa. Identifiers: MedGen C0265962, MONDO:0043106, HP:0025810.

Submission:

Labcorp Genetics (formerly Invitae), Labcorp
Classification: Uncertain significance for Ichthyosis linearis circumflexa. Last evaluated: 2022-05-27. Review status: criteria provided, single submitter. Criteria: Invitae Variant Classification Sherloc (09022015). Collection method: clinical testing. Allele origin: germline.
Comment: In summary, the available evidence is currently insufficient to determine the role of this variant in disease. Therefore, it has been classified as a Variant of Uncertain Significance. Experimental studies and prediction algorithms are not available or were not evaluated, and the functional significance of this variant is currently unknown. This variant has not been reported in the literature in individuals affected with SPINK5-related conditions. This variant is present in population databases (rs752634689, gnomAD 0.003%). This variant, c.1844_1849del, results in the deletion of 2 amino acid(s) of the SPINK5 protein (p.Glu615_Arg616del), but otherwise preserves the integrity of the reading frame.

NM_006846.4(SPINK5):c.1844_1849del (p.Glu615_Arg616del)

Gene: SPINK5 (serine peptidase inhibitor Kazal type 5; plus strand). Cytogenetic location: 5q32.
Variant type: Deletion.
Coding change: c.1844_1849del on transcript NM_006846.4 (MANE Select); coding-DNA positions 1844 to 1849, 6 bases deleted (AAAGAG; older notation c.1844_1849delAAAGAG).
Protein change: p.Glu615_Arg616del.
Molecular consequence: inframe deletion.
Genome position (GRCh38, 1-based): chr5:148,112,891-148,112,896, AAAGAG deleted; deleting any 6 consecutive bases within chr5:148,112,889-148,112,896 gives the same sequence; the c. name uses the placement nearest the transcript's 3' end. VCF-style (leftmost placement, unchanged base first): chr5-148112888-AAGAAAG-A. GRCh37 (hg19) VCF-style: chr5-147492451-AAGAAAG-A.
Other names: c.1844_1849del, p.Glu615_Arg616del (NM_001127698.2, NM_001127699.2).
Identifiers: ClinVar variation 2428464 (VCV002428464.5), dbSNP rs752634689, ClinGen allele CA3495760.